The following is an entry in ClinVar:

NM_002834.5(PTPN11):c.1643C>T (p.Ser548Phe)

Gene: PTPN11 (protein tyrosine phosphatase non-receptor type 11; plus strand). Cytogenetic location: 12q24.13.
Variant type: single nucleotide variant.
Coding change: c.1643C>T on transcript NM_002834.5 (MANE Select); coding-DNA position 1643, C replaced by T.
Protein change: p.Ser548Phe; replaces serine 548 with phenylalanine.
Molecular consequence: missense variant.
Genome position (GRCh38, 1-based): chr12:112,502,187, C>T. VCF-style: chr12-112502187-C-T. GRCh37 (hg19) VCF-style: chr12-112939991-C-T.
Other names: c.1655C>T, p.Ser552Phe (NM_001330437.2); c.1640C>T, p.Ser547Phe (NM_001374625.1); short protein forms S547F, S552F, S548F.
Identifiers: ClinVar variation 3637671 (VCV003637671.4).
Genomic context (GRCh38, chr12:112,502,187, plus strand): 5'-ACTCTTCCAAATTTCAGAAAAGCAAGAGGAAAGGGCACGAATATACAAATATTAAGTATT[C>T]TCTAGCGGACCAGACGAGTGGAGATCAGAGCCCTCTCCCGCCTTGTACTCCAACGCCACC-3'
Protein context (NP_002825.3, residues 538-558): KGHEYTNIKY[Ser548Phe]LADQTSGDQS

ClinVar aggregate classification (germline): Uncertain significance. Review status: criteria provided, multiple submitters, no conflicts (2 of 4 stars). 3 submissions from 3 submitters: Uncertain significance (3). Last evaluated 2026-05-01.

Conditions:
RASopathy. Also called: Noonan spectrum disorder; rasopathies. Identifiers: Orphanet 536391, MedGen C5555857, MONDO:0021060.
Cardiovascular phenotype. Identifiers: MedGen CN230736.

Submissions (3):

Ambry Genetics
Classification: Uncertain significance for Cardiovascular phenotype. Last evaluated: 2026-05-01. Review status: criteria provided, single submitter. Criteria: Ambry Variant Classification Scheme 2023. Collection method: clinical testing. Allele origin: germline.
Comment: The p.S548F variant (also known as c.1643C>T), located in coding exon 14 of the PTPN11 gene, results from a C to T substitution at nucleotide position 1643. The serine at codon 548 is replaced by phenylalanine, an amino acid with highly dissimilar properties. This amino acid position is conserved. In addition, the in silico prediction for this alteration is inconclusive. Based on the available evidence, the clinical significance of this variant remains unclear.

GeneDx
Classification: Uncertain significance. Last evaluated: 2024-11-15. Review status: criteria provided, single submitter. Criteria: GeneDx Variant Classification Process June 2021. Collection method: clinical testing. Allele origin: germline. Affected: yes.
Comment: Not observed at significant frequency in large population cohorts (gnomAD); Missense variants in this gene are a common cause of disease and they are underrepresented in the general population; In silico analysis supports that this missense variant has a deleterious effect on protein structure/function; Has not been previously published as pathogenic or benign to our knowledge; This variant is associated with the following publications: (PMID: 29493581)

Labcorp Genetics (formerly Invitae), Labcorp
Classification: Uncertain significance for RASopathy. Last evaluated: 2024-03-13. Review status: criteria provided, single submitter. Criteria: Invitae Variant Classification Sherloc (09022015). Collection method: clinical testing. Allele origin: germline.
Comment: This sequence change replaces serine, which is neutral and polar, with phenylalanine, which is neutral and non-polar, at codon 548 of the PTPN11 protein (p.Ser548Phe). This variant is not present in population databases (gnomAD no frequency). This variant has not been reported in the literature in individuals affected with PTPN11-related conditions. Advanced modeling of protein sequence and biophysical properties (such as structural, functional, and spatial information, amino acid conservation, physicochemical variation, residue mobility, and thermodynamic stability) performed at Invitae indicates that this missense variant is expected to disrupt PTPN11 protein function with a positive predictive value of 80%. In summary, the available evidence is currently insufficient to determine the role of this variant in disease. Therefore, it has been classified as a Variant of Uncertain Significance.